The following is an entry in ClinVar:

NM_006580.4(CLDN16):c.-132G>A

Gene: CLDN16 (claudin 16; plus strand). Cytogenetic location: 3q28.
Variant type: single nucleotide variant.
Coding change: c.-132G>A on transcript NM_006580.4 (MANE Select); 132 bases upstream of the start codon, G replaced by A.
Molecular consequence: 5 prime UTR variant. On other transcripts: intron variant (2).
Genome position (GRCh38, 1-based): chr3:190,388,198, G>A. VCF-style: chr3-190388198-G-A. GRCh37 (hg19) VCF-style: chr3-190105987-G-A.
Other names: c.-93-39G>A (NM_001378492.1, NM_001378493.1).
Identifiers: ClinVar variation 902250 (VCV000902250.9), dbSNP rs762405207, ClinGen allele CA2753692.

ClinVar aggregate classification (germline): Uncertain significance. Review status: criteria provided, multiple submitters, no conflicts (2 of 4 stars). 2 submissions from 2 submitters: Uncertain significance (2). Last evaluated 2021-11-27.

Conditions:
Primary hypomagnesemia (HOMG3). Also called: HYPOMAGNESEMIA 3, RENAL; HYPOMAGNESEMIA, FAMILIAL, WITH HYPERCALCIURIA AND NEPHROCALCINOSIS; HYPOMAGNESEMIA, ISOLATED RENAL; HYPOMAGNESEMIA, PRIMARY, DUE TO DEFECT IN RENAL TUBULAR TRANSPORT OF MAGNESIUM. Identifiers: Orphanet 31043, MedGen C0268448, MONDO:0009550, OMIM 248250.

Allele frequency attached by ClinVar (database versions not stated): gnomAD 0.00001; gnomAD exomes 0.00002; TOPMed 0.00002; ExAC 0.00003.

Submissions (2):

Labcorp Genetics (formerly Invitae), Labcorp
Classification: Uncertain significance. Last evaluated: 2021-11-27. Review status: criteria provided, single submitter. Criteria: Invitae Variant Classification Sherloc (09022015). Collection method: clinical testing. Allele origin: germline.
Comment: In summary, the available evidence is currently insufficient to determine the role of this variant in disease. Therefore, it has been classified as a Variant of Uncertain Significance. This sequence change replaces valine, which is neutral and non-polar, with methionine, which is neutral and non-polar, at codon 27 of the CLDN16 protein (p.Val27Met). This variant is present in population databases (rs762405207, gnomAD 0.003%). This variant has not been reported in the literature in individuals affected with CLDN16-related conditions. ClinVar contains an entry for this variant (Variation ID: 902250). Algorithms developed to predict the effect of missense changes on protein structure and function are either unavailable or do not agree on the potential impact of this missense change (SIFT: "Tolerated"; PolyPhen-2: "Possibly Damaging"; Align-GVGD: "Class C0").

Illumina Laboratory Services, Illumina
Classification: Uncertain significance for Primary hypomagnesemia. Last evaluated: 2018-01-13. Review status: criteria provided, single submitter. Criteria: ICSL Variant Classification Criteria 13 December 2019. Collection method: clinical testing. Allele origin: germline.